The following is an entry in ClinVar:

ClinVar aggregate classification (germline): Uncertain significance. Review status: criteria provided, multiple submitters, no conflicts (2 of 4 stars). 3 submissions from 3 submitters: Uncertain significance (3). Last evaluated 2024-09-16.

Submissions (3):

Blueprint Genetics
Classification: Uncertain significance. Last evaluated: 2024-09-16. Review status: criteria provided, single submitter. Criteria: ACMG Guidelines, 2015. Collection method: clinical testing. Allele origin: germline.

GeneDx
Classification: Uncertain significance. Last evaluated: 2024-02-15. Review status: criteria provided, single submitter. Criteria: GeneDx Variant Classification Process June 2021. Collection method: clinical testing. Allele origin: germline. Affected: yes.
Comment: Not observed at significant frequency in large population cohorts (gnomAD); In silico analysis supports that this missense variant does not alter protein structure/function; Has not been previously published as pathogenic or benign to our knowledge

Labcorp Genetics (formerly Invitae), Labcorp
Classification: Uncertain significance. Last evaluated: 2022-12-05. Review status: criteria provided, single submitter. Criteria: Invitae Variant Classification Sherloc (09022015). Collection method: clinical testing. Allele origin: germline.
Comment: In summary, the available evidence is currently insufficient to determine the role of this variant in disease. Therefore, it has been classified as a Variant of Uncertain Significance. Algorithms developed to predict the effect of missense changes on protein structure and function are either unavailable or do not agree on the potential impact of this missense change (SIFT: "Tolerated"; PolyPhen-2: "Possibly Damaging"; Align-GVGD: "Class C0"). ClinVar contains an entry for this variant (Variation ID: 1428099). This variant has not been reported in the literature in individuals affected with ZNF408-related conditions. This variant is not present in population databases (gnomAD no frequency). This sequence change replaces threonine, which is neutral and polar, with isoleucine, which is neutral and non-polar, at codon 617 of the ZNF408 protein (p.Thr617Ile).

NM_024741.3(ZNF408):c.1850C>T (p.Thr617Ile)

Gene: ZNF408 (zinc finger protein 408; plus strand). Cytogenetic location: 11p11.2.
Variant type: single nucleotide variant.
Coding change: c.1850C>T on transcript NM_024741.3 (MANE Select); coding-DNA position 1850, C replaced by T.
Protein change: p.Thr617Ile; replaces threonine 617 with isoleucine.
Molecular consequence: missense variant.
Genome position (GRCh38, 1-based): chr11:46,705,550, C>T. VCF-style: chr11-46705550-C-T. GRCh37 (hg19) VCF-style: chr11-46727100-C-T.
Other names: c.1850C>T (NM_024741.2); c.1826C>T, p.Thr609Ile (NM_001184751.2); short protein forms T609I, T617I.
Identifiers: ClinVar variation 1428099 (VCV001428099.8), dbSNP rs547169524, ClinGen allele CA380257663.